The following is an entry in ClinVar:

ClinVar aggregate classification (germline): Pathogenic (1 of 4 stars; one submission).

Conditions:
DICER1-related tumor predisposition. Also called: DICER1-related pleuropulmonary blastoma cancer predisposition syndrome; DICER1 syndrome. Identifiers: Orphanet 284343, MedGen C3839822, MONDO:0100216.

Submission:

Foulkes Cancer Genetics LDI, Lady Davis Institute for Medical Research
Classification: Pathogenic for Pleuropulmonary blastoma. Last evaluated: 2019-07-01. Review status: criteria provided, single submitter. Criteria: ACMG Guidelines, 2015. Collection method: curation. Allele origin: germline. Affected: yes. Observed: 1 variant allele.
Comment: ACMG criteria met: PVS1, PM2, PP3, PP4

Literature cited by the submitters: PubMed 21266384.

NM_177438.3(DICER1):c.328_338dup (p.Arg114fs)

Gene: DICER1 (dicer 1, ribonuclease III; minus strand). Cytogenetic location: 14q32.13.
Variant type: Duplication.
Coding change: c.328_338dup on transcript NM_177438.3 (MANE Select); coding-DNA positions 328 to 338, 11 bases duplicated (GTGTCAGCTGT).
Protein change: p.Arg114fs; shifts the reading frame from arginine 114.
Molecular consequence: frameshift variant.
Genome position (GRCh38, 1-based): chr14:95,131,609-95,131,619, ACAGCTGACAC duplicated on the plus strand (GTGTCAGCTGT on the coding strand, the reverse complement: DICER1 is on the minus strand). VCF-style (leftmost placement, unchanged base first): chr14-95131608-G-GACAGCTGACAC. GRCh37 (hg19) VCF-style: chr14-95597945-G-GACAGCTGACAC.
Other names: c.328_338dup, p.Arg114fs (NM_001195573.1, NM_001271282.3, NM_001291628.2 and 1 more transcripts); short protein forms R114fs.
Identifiers: ClinVar variation 932996 (VCV000932996.3), dbSNP rs1893958393, ClinGen allele CA1139663737.
Genomic context (GRCh38, chr14:95,131,608, plus strand): 5'-CCAAGATGCATTTACTTCTAGGTTTGAGTATTCCCCAACCTTGAGATCTGAATGAGTTCT[G>GACAGCTGACAC]ACAGCTGACACTTGTTGAGCAACCTGGTTTGCTAATTACAAATATAATACTCCATGTAAA-3'